The following is an entry in ClinVar:

NM_014874.4(MFN2):c.486G>C (p.Gln162His)

Gene: MFN2 (mitofusin 2; plus strand). Cytogenetic location: 1p36.22.
Variant type: single nucleotide variant.
Coding change: c.486G>C on transcript NM_014874.4 (MANE Select); coding-DNA position 486, G replaced by C.
Protein change: p.Gln162His; replaces glutamine 162 with histidine.
Molecular consequence: missense variant.
Genome position (GRCh38, 1-based): chr1:11,997,308, G>C. VCF-style: chr1-11997308-G-C. GRCh37 (hg19) VCF-style: chr1-12057365-G-C.
Other names: c.486G>C, p.Gln162His (NM_001127660.2); short protein forms Q162H.
Identifiers: ClinVar variation 2906529 (VCV002906529.3), dbSNP rs975073098, ClinGen allele CA338436223.

ClinVar aggregate classification (germline): Uncertain significance (1 of 4 stars; one submission).

Conditions:
Charcot-Marie-Tooth disease type 2. Also called: Charcot-Marie-Tooth type 2. Identifiers: Orphanet 64746, MedGen C0270914, MONDO:0018993.

Allele frequency attached by ClinVar (database versions not stated): TOPMed below 0.00001; gnomAD exomes below 0.00001.
gnomAD v4.1: 5 of 1,614,124 alleles (0.00031%); highest among the groups gnomAD compares: Non-Finnish European, 0.00042%; no homozygotes.

Submission:

Labcorp Genetics (formerly Invitae), Labcorp
Classification: Uncertain significance for Charcot-Marie-Tooth disease type 2. Last evaluated: 2023-06-28. Review status: criteria provided, single submitter. Criteria: Invitae Variant Classification Sherloc (09022015). Collection method: clinical testing. Allele origin: germline.
Comment: In summary, the available evidence is currently insufficient to determine the role of this variant in disease. Therefore, it has been classified as a Variant of Uncertain Significance. Advanced modeling of protein sequence and biophysical properties (such as structural, functional, and spatial information, amino acid conservation, physicochemical variation, residue mobility, and thermodynamic stability) has been performed at Invitae for this missense variant, however the output from this modeling did not meet the statistical confidence thresholds required to predict the impact of this variant on MFN2 protein function. This variant has not been reported in the literature in individuals affected with MFN2-related conditions. This variant is present in population databases (no rsID available, gnomAD 0.0009%). This sequence change replaces glutamine, which is neutral and polar, with histidine, which is basic and polar, at codon 162 of the MFN2 protein (p.Gln162His).